The following is an entry in ClinVar:

ClinVar aggregate classification (germline): Uncertain significance (1 of 4 stars; one submission).

Conditions:
Anauxetic dysplasia. Identifiers: Orphanet 93347, MedGen C1846796, MONDO:0011773.

Submission:

Labcorp Genetics (formerly Invitae), Labcorp
Classification: Uncertain significance for Anauxetic dysplasia. Last evaluated: 2025-10-31. Review status: criteria provided, single submitter. Criteria: Invitae Variant Classification Sherloc (09022015). Collection method: clinical testing. Allele origin: germline.
Comment: This variant occurs in the RMRP gene, which encodes an RNA molecule that does not result in a protein product. This variant is not present in population databases (gnomAD no frequency). This variant has not been reported in the literature in individuals affected with RMRP-related conditions. Experimental studies and prediction algorithms are not available or were not evaluated, and the functional significance of this variant is currently unknown. In summary, the available evidence is currently insufficient to determine the role of this variant in disease. Therefore, it has been classified as a Variant of Uncertain Significance.

NR_003051.4(RMRP):n.100C>G

Gene: RMRP (RNA component of mitochondrial RNA processing endoribonuclease; minus strand). Cytogenetic location: 9p13.3.
Variant type: single nucleotide variant.
Molecular consequence: non-coding transcript variant (on NR_003051.4).
Genome position: GRCh38 VCF-style: chr9-35657920-G-C. GRCh37 (hg19) VCF-style: chr9-35657917-G-C.
Identifiers: ClinVar variation 4730124 (VCV004730124.1).